The following is an entry in ClinVar:

ClinVar aggregate classification (germline): Uncertain significance (1 of 4 stars; one submission).

gnomAD v4.1: 1 of 1,473,052 alleles (0.000068%); highest among the groups gnomAD compares: Non-Finnish European, 0.00009%; no homozygotes.

Submission:

GeneDx
Classification: Uncertain significance. Last evaluated: 2019-10-02. Review status: criteria provided, single submitter. Criteria: GeneDx Variant Classification Process June 2021. Collection method: clinical testing. Allele origin: germline. Affected: yes.
Comment: Not observed in large population cohorts (Lek et al., 2016); In silico analysis, which includes protein predictors and evolutionary conservation, supports a deleterious effect; Has not been previously published as pathogenic or benign to our knowledge

NM_001353345.2(SETD1B):c.2309G>T (p.Gly770Val)

Gene: SETD1B (SET domain containing 1B, histone lysine methyltransferase; plus strand). Cytogenetic location: 12q24.31.
Variant type: single nucleotide variant.
Coding change: c.2309G>T on transcript NM_001353345.2 (MANE Select); coding-DNA position 2309, G replaced by T.
Protein change: p.Gly770Val; replaces glycine 770 with valine.
Molecular consequence: missense variant.
Genome position (GRCh38, 1-based): chr12:121,814,524, G>T. VCF-style: chr12-121814524-G-T. GRCh37 (hg19) VCF-style: chr12-122252430-G-T.
Other names: short protein forms G770V.
Identifiers: ClinVar variation 1316325 (VCV001316325.2), dbSNP rs868278683, ClinGen allele CA386994374.